The following is an entry in ClinVar:

NM_001113378.2(FANCI):c.3591+4A>T

Gene: FANCI (FA complementation group I; plus strand). Cytogenetic location: 15q26.1.
Variant type: single nucleotide variant.
Coding change: c.3591+4A>T on transcript NM_001113378.2 (MANE Select); 4 bases into the intron after coding-DNA position 3591, A replaced by T.
Molecular consequence: intron variant.
Genome position (GRCh38, 1-based): chr15:89,307,533, A>T. VCF-style: chr15-89307533-A-T. GRCh37 (hg19) VCF-style: chr15-89850764-A-T.
Other names: c.3411+4A>T (NM_018193.3); c.3591+4A>T (NM_001376911.1); c.3312+4A>T (NM_001376910.1).
Identifiers: ClinVar variation 1337732 (VCV001337732.6), dbSNP rs774180579, ClinGen allele CA274527085.
Genomic context (GRCh38, chr15:89,307,533, plus strand): 5'-TAGTATCTCCAGGTGTGTCAGAGCTCCGGAGGAATTCCAAAAAATATGGAAAAGCTGGTG[A>T]GTTGAGAATGCCTTTCCTAGGAATGGGGGAAGCACTTTTACTGCTGGTTACATTGGTTTC-3'

ClinVar aggregate classification (germline): Uncertain significance. Review status: criteria provided, multiple submitters, no conflicts (2 of 4 stars). 3 submissions from 3 submitters: Uncertain significance (3). Last evaluated 2022-03-19.

Conditions:
Fanconi anemia (FA). Also called: Fanconi's anemia. Identifiers: Orphanet 84, MedGen C0015625, MeSH D005199, MONDO:0019391.

gnomAD v4.1: 38 of 1,614,076 alleles (0.0024%); highest among the groups gnomAD compares: Non-Finnish European, 0.0028%; no homozygotes.

Submissions (3):

Labcorp Genetics (formerly Invitae), Labcorp
Classification: Uncertain significance for Fanconi anemia. Last evaluated: 2022-03-19. Review status: criteria provided, single submitter. Criteria: Invitae Variant Classification Sherloc (09022015). Collection method: clinical testing. Allele origin: germline.
Comment: This sequence change falls in intron 33 of the FANCI gene. It does not directly change the encoded amino acid sequence of the FANCI protein. It affects a nucleotide within the consensus splice site. This variant is not present in population databases (gnomAD no frequency). This variant has not been reported in the literature in individuals affected with FANCI-related conditions. Variants that disrupt the consensus splice site are a relatively common cause of aberrant splicing (PMID: 17576681, 9536098). Algorithms developed to predict the effect of sequence changes on RNA splicing suggest that this variant may disrupt the consensus splice site. In summary, the available evidence is currently insufficient to determine the role of this variant in disease. Therefore, it has been classified as a Variant of Uncertain Significance.

Sema4
Classification: Uncertain significance for Fanconi anemia. Last evaluated: 2021-09-13. Review status: criteria provided, single submitter. Criteria: Sema4 Curation Guidelines. Collection method: curation. Allele origin: germline.
Comment: The FANCI c.3591+4A>T variant has not been reported in the literature to our knowledge. This variant is not reported in the population database Genome Aggregation Database (PMID: 32461654) nor in ClinVar. In silico tools suggest that the variant may disrupt normal RNA splicing, though these predictions have not been confirmed by functional studies. The evidence is insufficient to meet ACMG/AMP criteria for classifying the variant as benign or pathogenic. Thus, the clinical significance of this variant is currently uncertain.

Genetic Services Laboratory, University of Chicago
Classification: Uncertain significance. Last evaluated: 2021-02-22. Review status: criteria provided, single submitter. Criteria: ACMG Guidelines, 2015. Collection method: clinical testing. Allele origin: germline. Affected: no.

Literature cited by the submitters: PubMed 17576681 (cited by Labcorp Genetics (formerly Invitae), Labcorp); PubMed 9536098 (cited by Labcorp Genetics (formerly Invitae), Labcorp).